The following is an entry in ClinVar:

NM_005577.4(LPA):c.4283C>T (p.Pro1428Leu)

Gene: LPA (lipoprotein(a); minus strand). Cytogenetic location: 6q25.3.
Variant type: single nucleotide variant.
Coding change: c.4283C>T on transcript NM_005577.4 (MANE Select); coding-DNA position 4283, C replaced by T.
Protein change: p.Pro1428Leu; replaces proline 1428 with leucine.
Molecular consequence: missense variant.
Genome position (GRCh38, 1-based): chr6:160,585,052, G>A on the plus strand (C>T on the coding strand, the complement: LPA is on the minus strand). VCF-style: chr6-160585052-G-A. GRCh37 (hg19) VCF-style: chr6-161006084-G-A.
Other names: short protein forms P1428L.
Identifiers: ClinVar variation 4083570 (VCV004083570.8).
Genomic context (GRCh38, chr6:160,585,052, plus strand): 5'-AAGAGAAATTTTAGTTGACTATTGTTCCTTTTATGGCTAACATGATAGACATACGCATTT[G>A]GATAGTATAATGGGATCCTCCGATGCCAATGTGGTGTCATAGACGACCAAGACTGACATG-3'
Protein context (NP_005568.2, residues 1418-1438): HWHRRIPLYY[Pro1428Leu]NAGLTRNYCR

ClinVar aggregate classification (germline): Likely benign (1 of 4 stars; one submission).

Submission:

CeGaT Center for Human Genetics Tuebingen
Classification: Likely benign. Last evaluated: 2025-08-01. Review status: criteria provided, single submitter. Criteria: CeGaT Center For Human Genetics Tuebingen Variant Classification Criteria Version 2. Collection method: clinical testing. Allele origin: germline. Affected: yes. Observed: 1 variant allele.
Comment: LPA: BS2